The following is an entry in ClinVar:

NM_001010909.5(MUC21):c.1137G>C (p.Glu379Asp)

Genes: MUC21 (mucin 21, cell surface associated; plus strand), LOC126859647 (CDK7 strongly-dependent group 2 enhancer GRCh37_chr6:30954612-30955811; plus strand). Cytogenetic location: 6p21.33.
Variant type: single nucleotide variant.
Coding change: c.1137G>C on transcript NM_001010909.5 (MANE Select); coding-DNA position 1137, G replaced by C.
Protein change: p.Glu379Asp; replaces glutamic acid 379 with aspartic acid.
Molecular consequence: missense variant. On other transcripts: non-coding transcript variant (1).
Genome position (GRCh38, 1-based): chr6:30,987,312, G>C. VCF-style: chr6-30987312-G-C. GRCh37 (hg19) VCF-style: chr6-30955089-G-C.
Other names: c.1227G>C, p.Glu409Asp (NM_001322370.2, NM_001322371.2); short protein forms E379D, E409D.
Identifiers: ClinVar variation 2656377 (VCV002656377.24), dbSNP rs79399059, ClinGen allele CA3707426.

ClinVar aggregate classification (germline): Likely benign (1 of 4 stars; one submission).

Allele frequency attached by ClinVar (database versions not stated): ExAC 0.00001; gnomAD 0.00001; gnomAD exomes 0.00023; ESP Exome Variant Server 0.00231.
gnomAD v4.1: 143 of 1,547,226 alleles (0.0092%); highest among the groups gnomAD compares: East Asian, 0.028%; 64 homozygotes.

Submission:

CeGaT Center for Human Genetics Tuebingen
Classification: Likely benign. Last evaluated: 2026-09-01. Review status: criteria provided, single submitter. Criteria: CeGaT Center For Human Genetics Tuebingen Variant Classification Criteria Version 2. Collection method: clinical testing. Allele origin: germline. Affected: yes. Observed: 32 variant alleles.
Comment: MUC21: BP4, BS2